The following is an entry in ClinVar:

ClinVar aggregate classification (germline): Uncertain significance (1 of 4 stars; one submission).

Submission:

Labcorp Genetics (formerly Invitae), Labcorp
Classification: Uncertain significance. Last evaluated: 2023-05-19. Review status: criteria provided, single submitter. Criteria: Invitae Variant Classification Sherloc (09022015). Collection method: clinical testing. Allele origin: germline.
Comment: This variant has not been reported in the literature in individuals affected with CTNNA1-related conditions. Advanced modeling of protein sequence and biophysical properties (such as structural, functional, and spatial information, amino acid conservation, physicochemical variation, residue mobility, and thermodynamic stability) performed at Invitae indicates that this missense variant is not expected to disrupt CTNNA1 protein function. This variant is not present in population databases (gnomAD no frequency). In summary, the available evidence is currently insufficient to determine the role of this variant in disease. Therefore, it has been classified as a Variant of Uncertain Significance. This sequence change replaces valine, which is neutral and non-polar, with alanine, which is neutral and non-polar, at codon 555 of the CTNNA1 protein (p.Val555Ala).

NM_001903.5(CTNNA1):c.1664T>C (p.Val555Ala)

Gene: CTNNA1 (catenin alpha 1; plus strand). Cytogenetic location: 5q31.2.
Variant type: single nucleotide variant.
Coding change: c.1664T>C on transcript NM_001903.5 (MANE Select); coding-DNA position 1664, T replaced by C.
Protein change: p.Val555Ala; replaces valine 555 with alanine.
Molecular consequence: missense variant.
Genome position (GRCh38, 1-based): chr5:138,924,627, T>C. VCF-style: chr5-138924627-T-C. GRCh37 (hg19) VCF-style: chr5-138260316-T-C.
Other names: c.554T>C, p.Val185Ala (NM_001323992.1, NM_001323993.1, NM_001323994.1 and 17 more transcripts); c.311T>C, p.Val104Ala (NM_001324012.1, NM_001324013.1); c.215T>C, p.Val72Ala (NM_001324006.1, NM_001324007.1, NM_001324008.1 and 2 more transcripts); c.461T>C, p.Val154Ala (NM_001324011.1); c.1664T>C, p.Val555Ala (NM_001290307.3, NM_001323982.2, NM_001323983.1 and 2 more transcripts); c.1355T>C, p.Val452Ala (NM_001290309.3); c.1295T>C, p.Val432Ala (NM_001290310.3); c.1571T>C, p.Val524Ala (NM_001323986.2); short protein forms V104A, V154A, V432A, V555A, V185A, V452A, V524A, V72A.
Identifiers: ClinVar variation 2865555 (VCV002865555.3), dbSNP rs2533711872, ClinGen allele CA361131923.
Genomic context (GRCh38, chr5:138,924,627, plus strand): 5'-TGGATGGCCTGGACCGCACAGCTGGTGCAATTCGAGGCCGGGCAGCCCGGGTCATTCACG[T>C]AGTCACCTCAGAGATGGACAACTATGAGCCAGGAGTCTACACAGAGAAGGTTCTGGAAGC-3'
Protein context (NP_001894.2, residues 545-565): IRGRAARVIH[Val555Ala]VTSEMDNYEP